The following is an entry in ClinVar:

NM_016507.4(CDK12):c.3829C>T (p.Pro1277Ser)

Gene: CDK12 (cyclin dependent kinase 12; plus strand). Cytogenetic location: 17q12.
Variant type: single nucleotide variant.
Coding change: c.3829C>T on transcript NM_016507.4 (MANE Select); coding-DNA position 3829, C replaced by T.
Protein change: p.Pro1277Ser; replaces proline 1277 with serine.
Molecular consequence: missense variant.
Genome position (GRCh38, 1-based): chr17:39,530,672, C>T. VCF-style: chr17-39530672-C-T. GRCh37 (hg19) VCF-style: chr17-37686925-C-T.
Other names: c.3802C>T, p.Pro1268Ser (NM_015083.4); short protein forms P1268S, P1277S.
Identifiers: ClinVar variation 3830792 (VCV003830792.1).

ClinVar aggregate classification (germline): Uncertain significance (1 of 4 stars; one submission).

Submission:

Ambry Genetics
Classification: Uncertain significance. Last evaluated: 2025-03-12. Review status: criteria provided, single submitter. Criteria: Ambry Variant Classification Scheme 2023. Collection method: clinical testing. Allele origin: germline.
Comment: The p.P1277S variant (also known as c.3829C>T), located in coding exon 14 of the CDK12 gene, results from a C to T substitution at nucleotide position 3829. The proline at codon 1277 is replaced by serine, an amino acid with similar properties. This amino acid position is conserved. In addition, this alteration is predicted to be tolerated by in silico analysis. Based on the available evidence, the clinical significance of this variant remains unclear.